The following is an entry in ClinVar:

ClinVar aggregate classification (germline): Uncertain significance (1 of 4 stars; one submission).

Submission:

GeneDx
Classification: Uncertain significance. Last evaluated: 2024-11-25. Review status: criteria provided, single submitter. Criteria: GeneDx Variant Classification Process June 2021. Collection method: clinical testing. Allele origin: germline. Affected: yes.
Comment: Not observed at significant frequency in large population cohorts (gnomAD); In silico analysis supports that this missense variant has a deleterious effect on protein structure/function; Has not been previously published as pathogenic or benign to our knowledge

NM_000334.4(SCN4A):c.2378T>C (p.Val793Ala)

Genes: GH-LCR (growth hormone locus control region; plus strand), SCN4A (sodium voltage-gated channel alpha subunit 4; minus strand). Cytogenetic location: 17q23.3.
Variant type: single nucleotide variant.
Coding change: c.2378T>C on transcript NM_000334.4 (MANE Select); coding-DNA position 2378, T replaced by C.
Protein change: p.Val793Ala; replaces valine 793 with alanine.
Molecular consequence: missense variant.
Genome position (GRCh38, 1-based): chr17:63,951,899, A>G on the plus strand (T>C on the coding strand, the complement: SCN4A is on the minus strand). VCF-style: chr17-63951899-A-G. GRCh37 (hg19) VCF-style: chr17-62029259-A-G.
Other names: short protein forms V793A.
Identifiers: ClinVar variation 3900559 (VCV003900559.1).
Genomic context (GRCh38, chr17:63,951,899, plus strand): 5'-GAGGCTGCCAGACTGTCGGCGCTGAAGGAGCTCAGCAGCAGAGCCAGGAACAGGTTCAGG[A>G]CCTGGGGCATGGGGTCAGGGGGAGCCTCACATCAGTCCCCGGGACCCAGAGGGTGCCACC-3'
Protein context (NP_000325.4, residues 783-803): LMVMVIGNLV[Val793Ala]LNLFLALLLS